The following is an entry in ClinVar:

ClinVar aggregate classification (germline): Likely benign (1 of 4 stars; one submission).

Allele frequency attached by ClinVar (database versions not stated): TOPMed below 0.00001.

Submission:

CeGaT Center for Human Genetics Tuebingen
Classification: Likely benign. Last evaluated: 2024-06-01. Review status: criteria provided, single submitter. Criteria: CeGaT Center For Human Genetics Tuebingen Variant Classification Criteria Version 2. Collection method: clinical testing. Allele origin: germline. Affected: yes. Observed: 1 variant allele.
Comment: SEC24C: BP4, BP7

NM_198597.3(SEC24C):c.2769C>G (p.Val923=)

Gene: SEC24C (SEC24 homolog C, COPII component; plus strand). Cytogenetic location: 10q22.2.
Variant type: single nucleotide variant.
Coding change: c.2769C>G on transcript NM_198597.3 (MANE Select); coding-DNA position 2769, C replaced by G.
Protein change: p.Val923=; no amino-acid change (valine 923 retained).
Molecular consequence: synonymous variant.
Genome position (GRCh38, 1-based): chr10:73,769,922, C>G. VCF-style: chr10-73769922-C-G. GRCh37 (hg19) VCF-style: chr10-75529680-C-G.
Other names: c.2769C>G, p.Val923= (NM_004922.4).
Identifiers: ClinVar variation 3250886 (VCV003250886.18), dbSNP rs1161710299.